The following is an entry in ClinVar:

ClinVar aggregate classification (germline): Conflicting classifications of pathogenicity. Review status: criteria provided, conflicting classifications (1 of 4 stars). 3 submissions from 3 submitters: Uncertain significance (2); Benign (1). Last evaluated 2025-12-08.

Conditions:
COL11A2-related disorder. Also called: COL11A2-related condition; COL11A2-related disorders.
Inborn genetic diseases. Identifiers: MedGen C0950123, MeSH D030342.

Allele frequency attached by ClinVar (database versions not stated): gnomAD exomes 0.00001; gnomAD 0.00002; TOPMed 0.00002.

Submissions (3):

Ambry Genetics
Classification: Uncertain significance for Inborn genetic diseases. Last evaluated: 2025-12-08. Review status: criteria provided, single submitter. Criteria: Ambry Variant Classification Scheme 2023. Collection method: clinical testing. Allele origin: germline.

Labcorp Genetics (formerly Invitae), Labcorp
Classification: Benign. Last evaluated: 2025-11-10. Review status: criteria provided, single submitter. Criteria: Invitae Variant Classification Sherloc (09022015). Collection method: clinical testing. Allele origin: germline.

PreventionGenetics, part of Exact Sciences
Classification: Uncertain significance for COL11A2-related condition. Last evaluated: 2025-10-31. Review status: criteria provided, single submitter. Criteria: ACMG Guidelines, 2015. Collection method: clinical testing. Allele origin: germline.
Comment: The COL11A2 c.5203A>T variant is predicted to result in the amino acid substitution p.Met1735Leu. To our knowledge, this variant has not been reported in the literature. This variant is reported in 0.020% of alleles in individuals of African descent in gnomAD. At this time, the clinical significance of this variant is uncertain due to the absence of conclusive functional and genetic evidence.

NM_080680.3(COL11A2):c.5203A>T (p.Met1735Leu)

Gene: COL11A2 (collagen type XI alpha 2 chain; minus strand). Cytogenetic location: 6p21.32.
Variant type: single nucleotide variant.
Coding change: c.5203A>T on transcript NM_080680.3 (MANE Select); coding-DNA position 5203, A replaced by T.
Protein change: p.Met1735Leu; replaces methionine 1735 with leucine.
Molecular consequence: missense variant.
Genome position (GRCh38, 1-based): chr6:33,163,686, T>A on the plus strand (A>T on the coding strand, the complement: COL11A2 is on the minus strand). VCF-style: chr6-33163686-T-A. GRCh37 (hg19) VCF-style: chr6-33131463-T-A.
Other names: c.4882A>T, p.Met1628Leu (NM_080679.3); c.4945A>T, p.Met1649Leu (NM_080681.3); c.5203A>T (NM_080680.2); short protein forms M1628L, M1735L, M1649L.
Identifiers: ClinVar variation 1374688 (VCV001374688.8), dbSNP rs1048273373, ClinGen allele CA137061094.